The following is an entry in ClinVar:

NM_007373.4(SHOC2):c.886C>T (p.Leu296=)

Gene: SHOC2 (SHOC2 leucine rich repeat scaffold protein; plus strand). Cytogenetic location: 10q25.2.
Variant type: single nucleotide variant.
Coding change: c.886C>T on transcript NM_007373.4 (MANE Select); coding-DNA position 886, C replaced by T.
Protein change: p.Leu296=; no amino-acid change (leucine 296 retained).
Molecular consequence: synonymous variant. On other transcripts: non-coding transcript variant (1).
Genome position (GRCh38, 1-based): chr10:111,000,459, C>T. VCF-style: chr10-111000459-C-T. GRCh37 (hg19) VCF-style: chr10-112760217-C-T.
Other names: NM_007373.3(SHOC2):c.886C>T; c.748C>T, p.Leu250= (NM_001269039.3); c.886C>T, p.Leu296= (NM_001324336.2, NM_001324337.2).
Identifiers: ClinVar variation 448934 (VCV000448934.20), dbSNP rs199723694, ClinGen allele CA5689679.

ClinVar aggregate classification (germline): Benign. Review status: reviewed by expert panel (3 of 4 stars). 7 submissions from 7 submitters: Benign (1). 6 of the submissions do not count toward it. Last evaluated 2017-04-18.

Conditions:
Cardiovascular phenotype. Identifiers: MedGen CN230736.
RASopathy. Also called: rasopathies; Noonan spectrum disorder. Identifiers: Orphanet 536391, MedGen C5555857, MONDO:0021060.

Allele frequency attached by ClinVar (database versions not stated): gnomAD exomes 0.00006 and 0.00012; ExAC 0.00012; 1000 Genomes Project 0.00020; 1000 Genomes Project 30x 0.00031; gnomAD 0.00003; TOPMed 0.00005.
gnomAD v4.1: 43 of 1,612,910 alleles (0.0027%); highest among the groups gnomAD compares: Admixed American, 0.072%; no homozygotes.

Submissions (7):

ClinGen RASopathy Variant Curation Expert Panel
Classification: Benign for Noonan syndrome and Noonan-related syndrome. Last evaluated: 2017-04-18. Review status: reviewed by expert panel. Criteria: ClinGen RASopathy ACMG Specifications v1. Collection method: curation. Allele origin: germline. Inheritance: Autosomal dominant inheritance.
Comment: The filtering allele frequency of the c.886C>T (p.Leu296=) variant in the SHOC2 gene is 0.08% (15/11572) of Latino chromosomes by the Exome Aggregation Consortium, which is a high enough frequency to be classified as benign based on thresholds defined by the ClinGen RASopathy Expert Panel (BA1; PMID:29493581)

CeGaT Center for Human Genetics Tuebingen
Classification: Likely benign. Last evaluated: 2026-09-01. Review status: criteria provided, single submitter. Criteria: CeGaT Center For Human Genetics Tuebingen Variant Classification Criteria Version 2. Collection method: clinical testing. Allele origin: germline. Affected: yes. Observed: 1 variant allele. Not counted in ClinVar's aggregate classification.
Comment: SHOC2: BP4, BP7

Labcorp Genetics (formerly Invitae), Labcorp
Classification: Benign for RASopathy. Last evaluated: 2026-01-21. Review status: criteria provided, single submitter. Criteria: Invitae Variant Classification Sherloc (09022015). Collection method: clinical testing. Allele origin: germline. Not counted in ClinVar's aggregate classification.

Ambry Genetics
Classification: Likely benign for Cardiovascular phenotype. Last evaluated: 2024-01-03. Review status: criteria provided, single submitter. Criteria: Ambry Variant Classification Scheme 2023. Collection method: clinical testing. Allele origin: germline. Not counted in ClinVar's aggregate classification.

Blueprint Genetics
Classification: Likely benign. Last evaluated: 2023-10-13. Review status: criteria provided, single submitter. Criteria: ACMG Guidelines, 2015. Collection method: clinical testing. Allele origin: germline. Not counted in ClinVar's aggregate classification.

Women's Health and Genetics/Laboratory Corporation of America, LabCorp
Classification: Benign. Last evaluated: 2023-02-06. Review status: criteria provided, single submitter. Criteria: LabCorp Variant Classification Summary - May 2015. Collection method: clinical testing. Allele origin: germline. Not counted in ClinVar's aggregate classification.

GeneDx
Classification: Benign. Last evaluated: 2021-06-03. Review status: criteria provided, single submitter. Criteria: GeneDx Variant Classification Process June 2021. Collection method: clinical testing. Allele origin: germline. Affected: yes. Not counted in ClinVar's aggregate classification.